The following is an entry in ClinVar:

ClinVar aggregate classification (germline): Uncertain significance (1 of 4 stars; one submission).

Submission:

Labcorp Genetics (formerly Invitae), Labcorp
Classification: Uncertain significance. Last evaluated: 2022-06-19. Review status: criteria provided, single submitter. Criteria: Invitae Variant Classification Sherloc (09022015). Collection method: clinical testing. Allele origin: germline.
Comment: This sequence change replaces aspartic acid, which is acidic and polar, with histidine, which is basic and polar, at codon 80 of the CTSK protein (p.Asp80His). This variant is not present in population databases (gnomAD no frequency). This variant has not been reported in the literature in individuals affected with CTSK-related conditions. Advanced modeling of protein sequence and biophysical properties (such as structural, functional, and spatial information, amino acid conservation, physicochemical variation, residue mobility, and thermodynamic stability) performed at Invitae indicates that this missense variant is expected to disrupt CTSK protein function. In summary, the available evidence is currently insufficient to determine the role of this variant in disease. Therefore, it has been classified as a Variant of Uncertain Significance.

NM_000396.4(CTSK):c.238G>C (p.Asp80His)

Gene: CTSK (cathepsin K; minus strand). Cytogenetic location: 1q21.3.
Variant type: single nucleotide variant.
Coding change: c.238G>C on transcript NM_000396.4 (MANE Select); coding-DNA position 238, G replaced by C.
Protein change: p.Asp80His; replaces aspartic acid 80 with histidine.
Molecular consequence: missense variant.
Genome position (GRCh38, 1-based): chr1:150,806,107, C>G on the plus strand (G>C on the coding strand, the complement: CTSK is on the minus strand). VCF-style: chr1-150806107-C-G. GRCh37 (hg19) VCF-style: chr1-150778583-C-G.
Other names: short protein forms D80H.
Identifiers: ClinVar variation 2116209 (VCV002116209.1), dbSNP rs995485377, ClinGen allele CA342337189.
Genomic context (GRCh38, chr1:150,806,107, plus strand): 5'-AGCAGGGAACTAAAGCAAATGGTGCAGGTGGGACAGGAGCTGAAGCTATACTTGCCATGT[C>G]CCCCAGGTGGTTCATAGCCAGTTCATATGTATGGACACCAAGAGAAGCCTCAAGGTTATG-3'
Protein context (NP_000387.1, residues 70-90): TYELAMNHLG[Asp80His]MTSEEVVQKM